The following is an entry in ClinVar:

NM_001243133.2(NLRP3):c.1918T>G (p.Phe640Val)

Gene: NLRP3 (NLR family pyrin domain containing 3; plus strand). Cytogenetic location: 1q44.
Variant type: single nucleotide variant.
Coding change: c.1918T>G on transcript NM_001243133.2 (MANE Select); coding-DNA position 1918, T replaced by G.
Protein change: p.Phe640Val; replaces phenylalanine 640 with valine.
Molecular consequence: missense variant.
Genome position (GRCh38, 1-based): chr1:247,425,367, T>G. VCF-style: chr1-247425367-T-G. GRCh37 (hg19) VCF-style: chr1-247588669-T-G.
Other names: c.1918T>G, p.Phe640Val (NM_001079821.3, NM_001127461.3, NM_001127462.3 and 1 more transcripts); c.1924T>G, p.Phe642Val (NM_004895.5); short protein forms F640V, F642V.
Identifiers: ClinVar variation 971445 (VCV000971445.12), dbSNP rs1024570390, ClinGen allele CA40692338.
Genomic context (GRCh38, chr1:247,425,367, plus strand): 5'-CAGATCCAGCCCAGCCAGCTGGAATTGTTCTACTGTTTGTACGAGATGCAGGAGGAGGAC[T>G]TCGTGCAAAGGGCCATGGACTATTTCCCCAAGATTGAGATCAATCTCTCCACCAGAATGG-3'
Protein context (NP_001230062.1, residues 630-650): YCLYEMQEED[Phe640Val]VQRAMDYFPK

ClinVar aggregate classification (germline): Uncertain significance. Review status: criteria provided, multiple submitters, no conflicts (2 of 4 stars). 2 submissions from 2 submitters: Uncertain significance (2). Last evaluated 2024-02-21.

Conditions:
Keratitis fugax hereditaria. Also called: KERATOENDOTHELIITIS FUGAX HEREDITARIA. Identifiers: Orphanet 647815, MedGen C1835697, MONDO:0007849, OMIM 148200.
Familial amyloid nephropathy with urticaria AND deafness (MWS). Also called: UDA SYNDROME; URTICARIA-DEAFNESS-AMYLOIDOSIS SYNDROME; Urticaria, deafness and amyloidosis; CRYOPYRIN-ASSOCIATED PERIODIC SYNDROME 2; MUCKLE-WELLS SYNDROME. Identifiers: Orphanet 575, MedGen C0268390, MONDO:0008633, OMIM 191900.
Familial cold autoinflammatory syndrome 1 (FCAS1). Also called: CRYOPYRIN-ASSOCIATED PERIODIC SYNDROME 1; Familial cold inflammatory syndrome 1. Identifiers: Orphanet 47045, MedGen C4551895, MONDO:0007349, OMIM 120100.
Chronic infantile neurological, cutaneous and articular syndrome (CINCA). Also called: CHRONIC NEUROLOGIC CUTANEOUS AND ARTICULAR SYNDROME; Prieur Griscelli syndrome; CINCA syndrome; CRYOPYRIN-ASSOCIATED PERIODIC SYNDROME 3. Identifiers: Orphanet 1451, MedGen C0409818, MONDO:0011776, OMIM 607115.
Hearing loss, autosomal dominant 34, with or without inflammation. Also called: DEAFNESS, AUTOSOMAL DOMINANT 34, WITH OR WITHOUT INFLAMMATION. Identifiers: MedGen C4521680, MONDO:0033261, OMIM 617772.
Cryopyrin associated periodic syndrome (CAPS). Identifiers: Orphanet 208650, MedGen C2316212, MONDO:0016168.

Allele frequency attached by ClinVar (database versions not stated): gnomAD exomes below 0.00001; gnomAD 0.00002; TOPMed 0.00002.
gnomAD v4.1: 4 of 1,614,050 alleles (0.00025%); highest among the groups gnomAD compares: African/African-American, 0.0053%; no homozygotes.

Submissions (2):

Fulgent Genetics
Classification: Uncertain significance for Familial cold autoinflammatory syndrome 1; Keratitis fugax hereditaria; Familial amyloid nephropathy with urticaria AND deafness; Chronic infantile neurological, cutaneous and articular syndrome; Hearing loss, autosomal dominant 34, with or without inflammation. Last evaluated: 2024-02-21. Review status: criteria provided, single submitter. Criteria: ACMG Guidelines, 2015. Collection method: clinical testing. Allele origin: germline.

Labcorp Genetics (formerly Invitae), Labcorp
Classification: Uncertain significance for Cryopyrin associated periodic syndrome. Last evaluated: 2022-03-21. Review status: criteria provided, single submitter. Criteria: Invitae Variant Classification Sherloc (09022015). Collection method: clinical testing. Allele origin: germline.
Comment: In summary, the available evidence is currently insufficient to determine the role of this variant in disease. Therefore, it has been classified as a Variant of Uncertain Significance. This sequence change replaces phenylalanine, which is neutral and non-polar, with valine, which is neutral and non-polar, at codon 642 of the NLRP3 protein (p.Phe642Val). This variant is present in population databases (no rsID available, gnomAD 0.01%). This variant has not been reported in the literature in individuals affected with NLRP3-related conditions. ClinVar contains an entry for this variant (Variation ID: 971445). Algorithms developed to predict the effect of missense changes on protein structure and function (SIFT, PolyPhen-2, Align-GVGD) all suggest that this variant is likely to be disruptive.